The following is an entry in ClinVar:

ClinVar aggregate classification (germline): Conflicting classifications of pathogenicity. Review status: criteria provided, conflicting classifications (1 of 4 stars). 6 submissions from 6 submitters: Uncertain significance (4); Likely benign (2). Last evaluated 2026-01-07.

Conditions:
Ventricular tachycardia. Identifiers: MedGen C0042514, MONDO:0005477, HP:0004756.
Cardiovascular phenotype. Identifiers: MedGen CN230736.
Arrhythmogenic cardiomyopathy with wooly hair and keratoderma. Also called: Arrhythmogenic cardiomyopathy with woolly hair and keratoderma; Carvajal syndrome; Dilated cardiomyopathy with woolly hair and keratoderma; PALMOPLANTAR KERATODERMA WITH LEFT VENTRICULAR CARDIOMYOPATHY AND WOOLLY HAIR. Identifiers: Orphanet 65282, MedGen C1854063, MONDO:0011581, OMIM 605676.
Arrhythmogenic right ventricular dysplasia 8 (ARVD8). Also called: ARRHYTHMOGENIC RIGHT VENTRICULAR DYSPLASIA, FAMILIAL, 8; ARRHYTHMOGENIC RIGHT VENTRICULAR CARDIOMYOPATHY 8; Arrhythmogenic Right Ventricular Dysplasia/Cardiomyopathy 8. Identifiers: MedGen C1843896, MONDO:0011831, OMIM 607450.
Cardiomyopathy (CMYO). Also called: Cardiomyopathies. Identifiers: Orphanet 167848, MedGen C0878544, MONDO:0004994, HP:0001638. Inheritance: Various modes of inheritance.

Allele frequency attached by ClinVar (database versions not stated): gnomAD 0.00001; ExAC 0.00002; TOPMed 0.00002; gnomAD exomes 0.00003.
gnomAD v4.1: 12 of 1,613,832 alleles (0.00074%); highest among the groups gnomAD compares: East Asian, 0.025%; no homozygotes.

Submissions (6):

Labcorp Genetics (formerly Invitae), Labcorp
Classification: Likely benign for Arrhythmogenic cardiomyopathy with wooly hair and keratoderma; Arrhythmogenic right ventricular dysplasia 8. Last evaluated: 2026-01-07. Review status: criteria provided, single submitter. Criteria: Invitae Variant Classification Sherloc (09022015). Collection method: clinical testing. Allele origin: germline.

Ambry Genetics
Classification: Likely benign for Cardiovascular phenotype. Last evaluated: 2024-09-11. Review status: criteria provided, single submitter. Criteria: Ambry Variant Classification Scheme 2023. Collection method: clinical testing. Allele origin: germline.

Color Diagnostics, LLC DBA Color Health
Classification: Uncertain significance for Cardiomyopathy. Last evaluated: 2024-03-06. Review status: criteria provided, single submitter. Criteria: ACMG Guidelines, 2015. Collection method: clinical testing. Allele origin: germline.
Comment: This missense variant replaces arginine with glutamine at codon 160 of the DSP protein. Computational prediction suggests that this variant may not impact protein structure and function (internally defined REVEL score threshold <= 0.5, PMID: 27666373). To our knowledge, functional studies have not been reported for this variant. This variant has not been reported in individuals affected with cardiovascular disorders in the literature. This variant has been identified in 9/282594 chromosomes in the general population by the Genome Aggregation Database (gnomAD). The available evidence is insufficient to determine the role of this variant in disease conclusively. Therefore, this variant is classified as a Variant of Uncertain Significance.

All of Us Research Program, National Institutes of Health
Classification: Uncertain significance for Arrhythmogenic cardiomyopathy with wooly hair and keratoderma. Last evaluated: 2023-10-23. Review status: criteria provided, single submitter. Criteria: ACMG Guidelines, 2015. Collection method: clinical testing. Allele origin: germline. Inheritance: Autosomal dominant inheritance. Observed: 2 variant alleles, 2 heterozygotes.
Comment: This missense variant replaces arginine with glutamine at codon 160 of the DSP protein. Computational prediction suggests that this variant may not impact protein structure and function (internally defined REVEL score threshold <= 0.5, PMID: 27666373). To our knowledge, functional studies have not been reported for this variant. This variant has not been reported in individuals affected with cardiovascular disorders in the literature. This variant has been identified in 9/282594 chromosomes in the general population by the Genome Aggregation Database (gnomAD). The available evidence is insufficient to determine the role of this variant in disease conclusively. Therefore, this variant is classified as a Variant of Uncertain Significance.

This study involves interpretation of variants in research participants for the purpose of population health screening. Participant phenotype was not available at the time of variant classification. Additional details can be found in publication PMID: 35346344, PMCID: PMC8962531

Center for Advanced Laboratory Medicine, UC San Diego Health, University of California San Diego
Classification: Uncertain significance for Ventricular tachycardia. Last evaluated: 2018-04-05. Review status: criteria provided, single submitter. Criteria: ACMG Guidelines, 2015. Collection method: clinical testing. Allele origin: germline. Affected: yes. Observed: 1 variant allele.

GeneDx
Classification: Uncertain significance. Last evaluated: 2016-12-08. Review status: criteria provided, single submitter. Criteria: GeneDx Variant Classification (06012015). Collection method: clinical testing. Allele origin: germline. Affected: yes.
Comment: A variant of uncertain significance has been identified in the DSP gene. The R160Q variant has not been published as a pathogenic variant, nor has it been reported as a benign variant to our knowledge. This variant was not observed in approximately 6,500 individuals of European and African American ancestry in the NHLBI Exome Sequencing Project, indicating it is not a common benign variant in these populations. The R160Q variant is a semi-conservative amino acid substitution, which may impact secondary protein structure as these residues differ in some properties. This substitution occurs at a position that is conserved across species. In silico analysis suggests that this variant is probably damaging to the protein structure/function.

NM_004415.4(DSP):c.479G>A (p.Arg160Gln)

Gene: DSP (desmoplakin; plus strand). Cytogenetic location: 6p24.3.
Variant type: single nucleotide variant.
Coding change: c.479G>A on transcript NM_004415.4 (MANE Select); coding-DNA position 479, G replaced by A.
Protein change: p.Arg160Gln; replaces arginine 160 with glutamine.
Molecular consequence: missense variant.
Genome position (GRCh38, 1-based): chr6:7,559,282, G>A. VCF-style: chr6-7559282-G-A. GRCh37 (hg19) VCF-style: chr6-7559515-G-A.
Other names: c.479G>A, p.Arg160Gln (NM_001008844.3, NM_001319034.2); c.479G>A (LRG_423t1); short protein forms R160Q.
Identifiers: ClinVar variation 373738 (VCV000373738.18), dbSNP rs752941845, ClinGen allele CA042921.